The following is an entry in ClinVar:

NM_000059.4(BRCA2):c.5202A>C (p.Glu1734Asp)

Gene: BRCA2 (BRCA2 DNA repair associated; plus strand). Cytogenetic location: 13q13.1.
Variant type: single nucleotide variant.
Coding change: c.5202A>C on transcript NM_000059.4 (MANE Select); coding-DNA position 5202, A replaced by C.
Protein change: p.Glu1734Asp; replaces glutamic acid 1734 with aspartic acid.
Molecular consequence: missense variant.
Genome position (GRCh38, 1-based): chr13:32,339,557, A>C. VCF-style: chr13-32339557-A-C. GRCh37 (hg19) VCF-style: chr13-32913694-A-C.
Other names: short protein forms E1734D.
Identifiers: ClinVar variation 483067 (VCV000483067.22), dbSNP rs1243093278, ClinGen allele CA387784594.

ClinVar aggregate classification (germline): Conflicting classifications of pathogenicity. Review status: criteria provided, conflicting classifications (1 of 4 stars). 6 submissions from 6 submitters: Uncertain significance (4); Likely benign (2). Last evaluated 2026-01-07.

Conditions:
Hereditary breast ovarian cancer syndrome. Also called: Hereditary breast and ovarian cancer syndrome; Hereditary breast and ovarian cancer; Hereditary breast and ovarian cancer syndrome (HBOC); Breast and ovarian cancer; Hereditary breast and/or ovarian cancer syndrome; BRCA1- and BRCA2-Associated Hereditary Breast and Ovarian Cancer. Identifiers: Orphanet 145, MedGen C0677776, MeSH D061325, MONDO:0003582. Disease mechanism: loss of function.
Hereditary cancer-predisposing syndrome. Also called: Neoplastic Syndromes, Hereditary; Tumor predisposition; Hereditary Cancer Syndrome; Hereditary neoplastic syndrome. Identifiers: Orphanet 140162, MedGen C0027672, MeSH D009386, MONDO:0015356.

Allele frequency attached by ClinVar (database versions not stated): TOPMed below 0.00001.
gnomAD v4.1: 1 of 1,608,138 alleles (0.000062%); highest among the groups gnomAD compares: Non-Finnish European, 0.000085%; no homozygotes.

Submissions (6):

Labcorp Genetics (formerly Invitae), Labcorp
Classification: Uncertain significance for Hereditary breast ovarian cancer syndrome. Last evaluated: 2026-01-07. Review status: criteria provided, single submitter. Criteria: Invitae Variant Classification Sherloc (09022015). Collection method: clinical testing. Allele origin: germline.
Comment: This sequence change replaces glutamic acid, which is acidic and polar, with aspartic acid, which is acidic and polar, at codon 1734 of the BRCA2 protein (p.Glu1734Asp). This variant is not present in population databases (gnomAD no frequency). This missense change has been observed in individual(s) with breast cancer (PMID: 32438681). ClinVar contains an entry for this variant (Variation ID: 483067). Invitae Evidence Modeling of protein sequence and biophysical properties (such as structural, functional, and spatial information, amino acid conservation, physicochemical variation, residue mobility, and thermodynamic stability) indicates that this missense variant is not expected to disrupt BRCA2 protein function with a negative predictive value of 95%. In summary, the available evidence is currently insufficient to determine the role of this variant in disease. Therefore, it has been classified as a Variant of Uncertain Significance.

Color Diagnostics, LLC DBA Color Health
Classification: Uncertain significance for Hereditary cancer-predisposing syndrome. Last evaluated: 2025-09-04. Review status: criteria provided, single submitter. Criteria: ACMG Guidelines, 2015. Collection method: clinical testing. Allele origin: germline.
Comment: This missense variant replaces glutamic acid with aspartic acid at codon 1734 of the BRCA2 protein. Computational prediction suggests that this variant may not impact protein structure and function. To our knowledge, functional studies have not been reported for this variant. This variant has been reported in an individual affected with breast cancer (PMID: 32438681). A multifactorial analysis has reached a combined likelihood ratio (LR) of 1.709 based on reported LR for co-occurrence with a pathogenic variant and personal and family history for 1 carrier. (PMID: 31853058). This variant has not been identified in the general population by the Genome Aggregation Database (gnomAD). The available evidence is insufficient to determine the role of this variant in disease conclusively. Therefore, this variant is classified as a Variant of Uncertain Significance.

Ambry Genetics
Classification: Likely benign for Hereditary cancer-predisposing syndrome. Last evaluated: 2024-03-26. Review status: criteria provided, single submitter. Criteria: Ambry Variant Classification Scheme 2023. Collection method: clinical testing. Allele origin: germline.

University of Washington Department of Laboratory Medicine, University of Washington
Classification: Likely benign for Hereditary cancer-predisposing syndrome. Last evaluated: 2023-03-23. Review status: criteria provided, single submitter. Criteria: Dines et al. (Genet Med. 2020). Collection method: curation. Allele origin: germline.
Comment: Missense variant in a coldspot region where missense variants are very unlikely to be pathogenic (PMID:31911673).

BRCA2 exon 11 coldspot. Reclassification based on statistical prior probability.

Sema4
Classification: Uncertain significance for Hereditary cancer-predisposing syndrome. Last evaluated: 2021-06-16. Review status: criteria provided, single submitter. Criteria: Sema4 Curation Guidelines. Collection method: curation. Allele origin: germline.
Comment: The BRCA2 c.5202A>C (p.E1734D) variant has been reported in at least one individual with breast cancer (PMID: 32980694). It was not observed in the large and broad cohorts of the Genome Aggregation Database (PMID: 32461654). The variant has been reported in ClinVar (Variation ID 483067). In silico tools suggest the impact of the variant on protein function is inconclusive, though these predictions have not been confirmed by functional studies. The evidence is insufficient to meet ACMG/AMP criteria for classifying the variant as benign or pathogenic. Thus, the clinical significance of this variant is currently uncertain.

GeneDx
Classification: Uncertain significance. Last evaluated: 2019-08-12. Review status: criteria provided, single submitter. Criteria: GeneDx Variant Classification Process June 2021. Collection method: clinical testing. Allele origin: germline. Affected: yes.
Comment: Not observed in large population cohorts (Lek 2016); In silico analysis, which includes protein predictors and evolutionary conservation, supports that this variant does not alter protein structure/function; Has not been previously published as pathogenic or benign to our knowledge; Also known as BRCA2 5430A>C

Literature cited by the submitters: PubMed 32438681 (cited by Labcorp Genetics (formerly Invitae), Labcorp and Color Diagnostics, LLC DBA Color Health); PubMed 31853058 (cited by Color Diagnostics, LLC DBA Color Health); PubMed 32980694 (cited by Sema4).